The following is an entry in ClinVar:

NM_001367721.1(CASK):c.1582+3A>T

Gene: CASK (calcium/calmodulin dependent serine protein kinase; minus strand). Cytogenetic location: Xp11.4.
Variant type: single nucleotide variant.
Coding change: c.1582+3A>T on transcript NM_001367721.1 (MANE Select); 3 bases into the intron after coding-DNA position 1582, A replaced by T.
Molecular consequence: intron variant.
Genome position (GRCh38, 1-based): chrX:41,569,665, T>A on the plus strand (A>T on the coding strand, the complement: CASK is on the minus strand). VCF-style: chrX-41569665-T-A. GRCh37 (hg19) VCF-style: chrX-41428918-T-A.
Other names: c.1564+3A>T (NM_001126055.3, NM_001410745.1); c.1582+3A>T (NM_001126054.3, NM_003688.4).
Identifiers: ClinVar variation 1303419 (VCV001303419.2), dbSNP rs2147179049, ClinGen allele CA2573055319.

ClinVar aggregate classification (germline): Uncertain significance (1 of 4 stars; one submission).

Submission:

GeneDx
Classification: Uncertain significance. Last evaluated: 2019-10-19. Review status: criteria provided, single submitter. Criteria: GeneDx Variant Classification Process June 2021. Collection method: clinical testing. Allele origin: germline. Affected: yes.
Comment: Not observed in large population cohorts (Lek et al., 2016); Has not been previously published as pathogenic or benign to our knowledge; In-silico analysis, which includes splice predictors and evolutionary conservation, is inconclusive as to whether the variant alters gene splicing. In the absence of RNA/functional studies, the actual effect of this sequence change is unknown.